The following is an entry in ClinVar:

NM_006277.3(ITSN2):c.1028C>T (p.Thr343Ile)

Gene: ITSN2 (intersectin 2; minus strand). Cytogenetic location: 2p23.3.
Variant type: single nucleotide variant.
Coding change: c.1028C>T on transcript NM_006277.3 (MANE Select); coding-DNA position 1028, C replaced by T.
Protein change: p.Thr343Ile; replaces threonine 343 with isoleucine.
Molecular consequence: missense variant.
Genome position (GRCh38, 1-based): chr2:24,301,207, G>A on the plus strand (C>T on the coding strand, the complement: ITSN2 is on the minus strand). VCF-style: chr2-24301207-G-A. GRCh37 (hg19) VCF-style: chr2-24524076-G-A.
Other names: c.986C>T, p.Thr329Ile (NM_001348181.2, NM_001348184.2); c.1028C>T, p.Thr343Ile (NM_001348182.2, NM_001348183.2, NM_001348185.2 and 3 more transcripts); short protein forms T329I, T343I.
Identifiers: ClinVar variation 2632655 (VCV002632655.1), dbSNP rs2465699824, ClinGen allele CA346043915.

ClinVar aggregate classification (germline): Uncertain significance (1 of 4 stars; one submission).

Conditions:
ITSN2-related disorder. Also called: ITSN2-related condition.

Allele frequency attached by ClinVar (database versions not stated): gnomAD exomes below 0.00001.
gnomAD v4.1: 1 of 1,608,910 alleles (0.000062%); highest among the groups gnomAD compares: Non-Finnish European, 0.000085%; no homozygotes.

Submission:

PreventionGenetics, part of Exact Sciences
Classification: Uncertain significance for ITSN2-related condition. Last evaluated: 2023-05-30. Review status: criteria provided, single submitter. Criteria: ACMG Guidelines, 2015. Collection method: clinical testing. Allele origin: germline.
Comment: The ITSN2 c.1028C>T variant is predicted to result in the amino acid substitution p.Thr343Ile. To our knowledge, this variant has not been reported in the literature or in a large population database, indicating this variant is rare. At this time, the clinical significance of this variant is uncertain due to the absence of conclusive functional and genetic evidence.